The following is an entry in ClinVar:

ClinVar aggregate classification (germline): Benign/Likely benign. Review status: criteria provided, multiple submitters, no conflicts (2 of 4 stars). 6 submissions from 6 submitters: Benign (1); Likely benign (5). Last evaluated 2025-11-24.

Conditions:
Aortic aneurysm, familial thoracic 7 (AAT7). Also called: AORTIC DISSECTION, FAMILIAL, WITH OR WITHOUT AORTIC ANEURYSM. Identifiers: MedGen C3151077, MONDO:0013418, OMIM 613780.
Familial thoracic aortic aneurysm and aortic dissection (TAAD). Also called: Thoracic aortic aneurysms and dissections. Identifiers: Orphanet 91387, MedGen C4707243, MONDO:0019625.

Allele frequency attached by ClinVar (database versions not stated): gnomAD exomes 0.00007 and 0.00008; ExAC 0.00008; ESP Exome Variant Server 0.00015; gnomAD 0.00025 and 0.00026; 1000 Genomes Project 30x 0.00031; TOPMed 0.00032.
gnomAD v4.1: 153 of 1,613,680 alleles (0.0095%); highest among the groups gnomAD compares: African/African-American, 0.069%; no homozygotes.

Submissions (6):

Labcorp Genetics (formerly Invitae), Labcorp
Classification: Likely benign for Aortic aneurysm, familial thoracic 7. Last evaluated: 2025-11-24. Review status: criteria provided, single submitter. Criteria: Invitae Variant Classification Sherloc (09022015). Collection method: clinical testing. Allele origin: germline.

Mayo Clinic Laboratories, Mayo Clinic
Classification: Likely benign. Last evaluated: 2025-06-06. Review status: criteria provided, single submitter. Criteria: ACMG Guidelines, 2015. Collection method: clinical testing. Allele origin: germline. Observed: 1 variant allele.
Comment: BS1, BP4, BP7

Blueprint Genetics
Classification: Likely benign. Last evaluated: 2024-09-18. Review status: criteria provided, single submitter. Criteria: ACMG Guidelines, 2015. Collection method: clinical testing. Allele origin: germline.

Women's Health and Genetics/Laboratory Corporation of America, LabCorp
Classification: Benign. Last evaluated: 2024-08-11. Review status: criteria provided, single submitter. Criteria: LabCorp Variant Classification Summary - May 2015. Collection method: clinical testing. Allele origin: germline.

Ambry Genetics
Classification: Likely benign for Familial thoracic aortic aneurysm and aortic dissection. Last evaluated: 2022-05-24. Review status: criteria provided, single submitter. Criteria: Ambry Variant Classification Scheme 2023. Collection method: clinical testing. Allele origin: germline.

ARUP Laboratories, Molecular Genetics and Genomics, ARUP Laboratories
Classification: Likely benign. Last evaluated: 2021-04-06. Review status: criteria provided, single submitter. Criteria: ARUP Molecular Germline Variant Investigation Process 2021. Collection method: clinical testing. Allele origin: germline.

NM_053025.4(MYLK):c.429A>G (p.Arg143=)

Gene: MYLK (myosin light chain kinase; minus strand). Cytogenetic location: 3q21.1.
Variant type: single nucleotide variant.
Coding change: c.429A>G on transcript NM_053025.4 (MANE Select); coding-DNA position 429, A replaced by G.
Protein change: p.Arg143=; no amino-acid change (arginine 143 retained).
Molecular consequence: synonymous variant. On other transcripts: 5 prime UTR variant (1).
Genome position (GRCh38, 1-based): chr3:123,739,056, T>C on the plus strand (A>G on the coding strand, the complement: MYLK is on the minus strand). VCF-style: chr3-123739056-T-C. GRCh37 (hg19) VCF-style: chr3-123457903-T-C.
Other names: p.Arg143=; c.-100A>G (NM_001321309.2); c.429A>G, p.Arg143= (NM_053026.4, NM_053027.4, NM_053028.4).
Identifiers: ClinVar variation 696747 (VCV000696747.22), dbSNP rs149940930, ClinGen allele CA071774.